The following is an entry in ClinVar:

ClinVar aggregate classification (germline): Likely benign (1 of 4 stars; one submission).

Submission:

CeGaT Center for Human Genetics Tuebingen
Classification: Likely benign. Last evaluated: 2026-09-01. Review status: criteria provided, single submitter. Criteria: CeGaT Center For Human Genetics Tuebingen Variant Classification Criteria Version 2. Collection method: clinical testing. Allele origin: germline. Affected: yes. Observed: 1 variant allele.
Comment: FILIP1: PM2:Supporting, BP4, BP7

NM_015687.5(FILIP1):c.144T>C (p.Asp48=)

Genes: FILIP1 (filamin A interacting protein 1; minus strand), LOC101928540 (uncharacterized LOC101928540; plus strand). Cytogenetic location: 6q14.1.
Variant type: single nucleotide variant.
Coding change: c.144T>C on transcript NM_015687.5 (MANE Select); coding-DNA position 144, T replaced by C.
Protein change: p.Asp48=; no amino-acid change (aspartic acid 48 retained).
Molecular consequence: synonymous variant.
Genome position (GRCh38, 1-based): chr6:75,414,829, A>G on the plus strand (T>C on the coding strand, the complement: FILIP1 is on the minus strand). VCF-style: chr6-75414829-A-G. GRCh37 (hg19) VCF-style: chr6-76124545-A-G.
Other names: c.153T>C, p.Asp51= (NM_001289987.3); c.144T>C, p.Asp48= (NM_001300866.3).
Identifiers: ClinVar variation 5041451 (VCV005041451.1).